The following is an entry in ClinVar:

ClinVar aggregate classification (germline): Uncertain significance. Review status: criteria provided, multiple submitters, no conflicts (2 of 4 stars). 2 submissions from 2 submitters: Uncertain significance (2). Last evaluated 2024-10-23.

Allele frequency attached by ClinVar (database versions not stated): gnomAD exomes below 0.00001; TOPMed 0.00003; gnomAD 0.00005.
gnomAD v4.1: 15 of 1,613,742 alleles (0.00093%); highest among the groups gnomAD compares: Admixed American, 0.013%; no homozygotes.

Submissions (2):

GeneDx
Classification: Uncertain significance. Last evaluated: 2024-10-23. Review status: criteria provided, single submitter. Criteria: GeneDx Variant Classification Process June 2021. Collection method: clinical testing. Allele origin: germline. Affected: yes.
Comment: Not observed at significant frequency in large population cohorts (gnomAD); In silico analysis indicates that this missense variant does not alter protein structure/function; Has not been previously published as pathogenic or benign to our knowledge

Labcorp Genetics (formerly Invitae), Labcorp
Classification: Uncertain significance. Last evaluated: 2021-08-14. Review status: criteria provided, single submitter. Criteria: Invitae Variant Classification Sherloc (09022015). Collection method: clinical testing. Allele origin: germline.
Comment: This sequence change replaces alanine with serine at codon 5046 of the ADGRV1 protein (p.Ala5046Ser). The alanine residue is weakly conserved and there is a moderate physicochemical difference between alanine and serine. This variant is not present in population databases (ExAC no frequency). This variant has not been reported in the literature in individuals affected with ADGRV1-related conditions. Algorithms developed to predict the effect of missense changes on protein structure and function (SIFT, PolyPhen-2, Align-GVGD) all suggest that this variant is likely to be tolerated. In summary, the available evidence is currently insufficient to determine the role of this variant in disease. Therefore, it has been classified as a Variant of Uncertain Significance.

NM_032119.4(ADGRV1):c.15136G>T (p.Ala5046Ser)

Gene: ADGRV1 (adhesion G protein-coupled receptor V1; plus strand). Cytogenetic location: 5q14.3.
Variant type: single nucleotide variant.
Coding change: c.15136G>T on transcript NM_032119.4 (MANE Select); coding-DNA position 15136, G replaced by T.
Protein change: p.Ala5046Ser; replaces alanine 5046 with serine.
Molecular consequence: missense variant. On other transcripts: non-coding transcript variant (1).
Genome position (GRCh38, 1-based): chr5:90,810,396, G>T. VCF-style: chr5-90810396-G-T. GRCh37 (hg19) VCF-style: chr5-90106213-G-T.
Other names: c.15136G>T (NM_032119.3); short protein forms A5046S.
Identifiers: ClinVar variation 1414011 (VCV001414011.6), dbSNP rs1361704996, ClinGen allele CA360407822.